The following is an entry in ClinVar:

ClinVar aggregate classification (germline): Uncertain significance (1 of 4 stars; one submission).

Conditions:
Hajdu-Cheney syndrome (HJCYS). Also called: ACROOSTEOLYSIS WITH OSTEOPOROSIS AND CHANGES IN SKULL AND MANDIBLE; SERPENTINE FIBULA-POLYCYSTIC KIDNEY SYNDROME; Acroosteolysis dominant type. Identifiers: Orphanet 955, MedGen C0917715, MONDO:0007057, OMIM 102500.

Submission:

Labcorp Genetics (formerly Invitae), Labcorp
Classification: Uncertain significance for Hajdu-Cheney syndrome. Last evaluated: 2022-10-14. Review status: criteria provided, single submitter. Criteria: Invitae Variant Classification Sherloc (09022015). Collection method: clinical testing. Allele origin: germline.
Comment: This sequence change replaces leucine, which is neutral and non-polar, with tryptophan, which is neutral and slightly polar, at codon 1996 of the NOTCH2 protein (p.Leu1996Trp). In summary, the available evidence is currently insufficient to determine the role of this variant in disease. Therefore, it has been classified as a Variant of Uncertain Significance. Algorithms developed to predict the effect of missense changes on protein structure and function (SIFT, PolyPhen-2, Align-GVGD) all suggest that this variant is likely to be disruptive. This variant has not been reported in the literature in individuals affected with NOTCH2-related conditions. This variant is not present in population databases (gnomAD no frequency).

NM_024408.4(NOTCH2):c.5987T>G (p.Leu1996Trp)

Gene: NOTCH2 (notch receptor 2; minus strand). Cytogenetic location: 1p12.
Variant type: single nucleotide variant.
Coding change: c.5987T>G on transcript NM_024408.4 (MANE Select); coding-DNA position 5987, T replaced by G.
Protein change: p.Leu1996Trp; replaces leucine 1996 with tryptophan.
Molecular consequence: missense variant.
Genome position (GRCh38, 1-based): chr1:119,917,705, A>C on the plus strand (T>G on the coding strand, the complement: NOTCH2 is on the minus strand). VCF-style: chr1-119917705-A-C. GRCh37 (hg19) VCF-style: chr1-120460328-A-C.
Other names: short protein forms L1996W.
Identifiers: ClinVar variation 2000407 (VCV002000407.4), dbSNP rs2526112692, ClinGen allele CA341881878.
Genomic context (GRCh38, chr1:119,917,705, plus strand): 5'-TCAGAGCCCACAAACTGTACCTTGTTGTCCTGCATGTCTCGGTTGGCCCCATTTTTCAAC[A>C]ACAAAAGAGTTGCCTCCACATTATTGACAGCAGCTGCCCAGTGAAGAGCAGATTTTCCTG-3'
Protein context (NP_077719.2, residues 1986-2006): AVNNVEATLL[Leu1996Trp]LKNGANRDMQ